The following is an entry in ClinVar:

NM_001005273.3(CHD3):c.5026+1G>A

Gene: CHD3 (chromodomain helicase DNA binding protein 3; plus strand). Cytogenetic location: 17p13.1.
Variant type: single nucleotide variant.
Coding change: c.5026+1G>A on transcript NM_001005273.3 (MANE Select); the canonical splice donor site of the intron after coding-DNA position 5026, G replaced by A.
Molecular consequence: splice donor variant. On other transcripts: intron variant (1).
Genome position (GRCh38, 1-based): chr17:7,907,703, G>A. VCF-style: chr17-7907703-G-A. GRCh37 (hg19) VCF-style: chr17-7811021-G-A.
Other names: NC_000017.10:g.7811021G>A; c.5203+1G>A (NM_001005271.3); c.4925-191G>A (NM_005852.4).
Identifiers: ClinVar variation 3144118 (VCV003144118.2), dbSNP rs1387145214, ClinGen allele CA397948105.
Genomic context (GRCh38, chr17:7,907,703, plus strand): 5'-TGGATGGACAGGAACACAGGGAGAGGCCGGAGGGGGAAACAGGGGATTTGGGCAAGAGAG[G>A]TAATGGGTGGAAGGGACCGGACACCTGGGTCCCAGAGGGCATCAGGGGAGGTGGAGTCTG-3'

ClinVar aggregate classification (germline): Uncertain significance (1 of 4 stars; one submission).

Conditions:
Inborn genetic diseases. Identifiers: MedGen C0950123, MeSH D030342.

Allele frequency attached by ClinVar (database versions not stated): gnomAD exomes below 0.00001; TOPMed 0.00001.
gnomAD v4.1: 1 of 1,529,650 alleles (0.000065%); highest among the groups gnomAD compares: Non-Finnish European, 0.000087%; no homozygotes.

Submissions (2):

Ambry Genetics
Classification: Uncertain significance for Inborn genetic diseases. Last evaluated: 2024-03-08. Review status: criteria provided, single submitter. Criteria: Ambry Variant Classification Scheme 2023. Collection method: clinical testing. Allele origin: germline.
Comment: The c.5203+1G>A intronic variant results from a G to A substitution one nucleotide after coding exon 33 of the CHD3 gene. Alterations that disrupt the canonical splice site are expected to result in aberrant splicing. The resulting transcript is predicted to be in-frame and is not expected to trigger nonsense-mediated mRNA decay; however, direct evidence is unavailable. The exact functional effect of the altered amino acid sequence is unknown. This variant was not reported in population-based cohorts in the Genome Aggregation Database (gnomAD). This nucleotide position is highly conserved in available vertebrate species. In silico splice site analysis predicts that this alteration will weaken the native splice donor site. Based on insufficient or conflicting evidence, the clinical significance of this alteration remains unclear.

Dr. Peter K. Rogan Lab, Western University
No classification provided (evidence only). Condition: Thyroid cancer, nonmedullary, 1. Review status: no classification provided. Collection method: in vitro. Allele origin: not applicable. Functional consequence: retained intron. Not counted in ClinVar's aggregate classification.